The following is an entry in ClinVar:

ClinVar aggregate classification (germline): Uncertain significance (1 of 4 stars; one submission).

Submission:

GeneDx
Classification: Uncertain significance. Last evaluated: 2024-07-15. Review status: criteria provided, single submitter. Criteria: GeneDx Variant Classification Process June 2021. Collection method: clinical testing. Allele origin: germline. Affected: yes.
Comment: Not observed at significant frequency in large population cohorts (gnomAD); In silico analysis indicates that this missense variant does not alter protein structure/function; Has not been previously published as pathogenic or benign to our knowledge

NM_017672.6(TRPM7):c.5150T>G (p.Phe1717Cys)

Gene: TRPM7 (transient receptor potential cation channel subfamily M member 7; minus strand). Cytogenetic location: 15q21.2.
Variant type: single nucleotide variant.
Coding change: c.5150T>G on transcript NM_017672.6 (MANE Select); coding-DNA position 5150, T replaced by G.
Protein change: p.Phe1717Cys; replaces phenylalanine 1717 with cysteine.
Molecular consequence: missense variant. On other transcripts: non-coding transcript variant (3).
Genome position (GRCh38, 1-based): chr15:50,574,432, A>C on the plus strand (T>G on the coding strand, the complement: TRPM7 is on the minus strand). VCF-style: chr15-50574432-A-C. GRCh37 (hg19) VCF-style: chr15-50866629-A-C.
Other names: c.5147T>G, p.Phe1716Cys (NM_001301212.2); short protein forms F1716C, F1717C.
Identifiers: ClinVar variation 3573635 (VCV003573635.1).